The following is an entry in ClinVar:

ClinVar aggregate classification (germline): Uncertain significance. Review status: criteria provided, multiple submitters, no conflicts (2 of 4 stars). 2 submissions from 2 submitters: Uncertain significance (2). Last evaluated 2024-12-02.

Conditions:
Cortical dysplasia-focal epilepsy syndrome (PTHSL1). Also called: Pitt-Hopkins-like syndrome 1. Identifiers: Orphanet 163681, Orphanet 221150, MedGen C2750246, MONDO:0012400, OMIM 610042.

Allele frequency attached by ClinVar (database versions not stated): gnomAD exomes 0.00003 and 0.00004; gnomAD 0.00004 and 0.00005; ExAC 0.00006; TOPMed 0.00006; ESP Exome Variant Server 0.00008.
gnomAD v4.1: 57 of 1,613,634 alleles (0.0035%); highest among the groups gnomAD compares: African/African-American, 0.011%; no homozygotes.

Submissions (2):

Labcorp Genetics (formerly Invitae), Labcorp
Classification: Uncertain significance for Cortical dysplasia-focal epilepsy syndrome. Last evaluated: 2024-12-02. Review status: criteria provided, single submitter. Criteria: Invitae Variant Classification Sherloc (09022015). Collection method: clinical testing. Allele origin: germline.
Comment: This sequence change replaces glycine, which is neutral and non-polar, with serine, which is neutral and polar, at codon 61 of the CNTNAP2 protein (p.Gly61Ser). This variant is present in population databases (rs376929846, gnomAD 0.02%). This variant has not been reported in the literature in individuals affected with CNTNAP2-related conditions. ClinVar contains an entry for this variant (Variation ID: 205296). An algorithm developed to predict the effect of missense changes on protein structure and function (PolyPhen-2) suggests that this variant is likely to be disruptive. In summary, the available evidence is currently insufficient to determine the role of this variant in disease. Therefore, it has been classified as a Variant of Uncertain Significance.

GeneDx
Classification: Uncertain significance. Last evaluated: 2020-07-23. Review status: criteria provided, single submitter. Criteria: GeneDx Variant Classification Process June 2021. Collection method: clinical testing. Allele origin: germline. Affected: yes.
Comment: In silico analysis supports that this missense variant does not alter protein structure/function; Has not been previously published as pathogenic or benign to our knowledge

NM_014141.6(CNTNAP2):c.181G>A (p.Gly61Ser)

Gene: CNTNAP2 (contactin associated protein 2; plus strand). Cytogenetic location: 7q35.
Variant type: single nucleotide variant.
Coding change: c.181G>A on transcript NM_014141.6 (MANE Select); coding-DNA position 181, G replaced by A.
Protein change: p.Gly61Ser; replaces glycine 61 with serine.
Molecular consequence: missense variant.
Genome position (GRCh38, 1-based): chr7:146,774,354, G>A. VCF-style: chr7-146774354-G-A. GRCh37 (hg19) VCF-style: chr7-146471446-G-A.
Other names: p.G61S:GGC>AGC; short protein forms G61S.
Identifiers: ClinVar variation 205296 (VCV000205296.11), dbSNP rs376929846, ClinGen allele CA314226.
Genomic context (GRCh38, chr7:146,774,354, plus strand): 5'-TCTGGACTCCCCCATGTGGCTTTCAGCAGCTCCTCCTCCATCTCTGGTAGCTATTCTCCC[G>A]GCTATGCCAAGATAAACAAGAGAGGAGGTAAGCCAAATTTTGATTCTTTTATCAATAAAC-3'
Protein context (NP_054860.1, residues 51-71): SSSISGSYSP[Gly61Ser]YAKINKRGGA